The following is an entry in ClinVar:

ClinVar aggregate classification (germline): Uncertain significance (1 of 4 stars; one submission).

gnomAD v4.1: 20 of 1,548,738 alleles (0.0013%); highest among the groups gnomAD compares: South Asian, 0.013%; no homozygotes.

Submission:

Women's Health and Genetics/Laboratory Corporation of America, LabCorp
Classification: Uncertain significance. Last evaluated: 2025-03-12. Review status: criteria provided, single submitter. Criteria: LabCorp Variant Classification Summary - May 2015. Collection method: clinical testing. Allele origin: germline.
Comment: Variant summary: AMH c.272G>A (p.Arg91His) results in a non-conservative amino acid change in the encoded protein sequence. Three of four in-silico tools predict a benign effect of the variant on protein function. The variant allele was found at a frequency of 1.2e-05 in 161658 control chromosomes (gnomAD). The available data on variant occurrences in the general population are insufficient to allow any conclusion about variant significance. c.272G>A has been reported in the literature in one individual affected with Persistent Mullerian duct syndrome (Gorsic_2017). The report does not provide unequivocal conclusions about association of the variant with Persistent Mullerian duct syndrome. At least one publication reports experimental evidence evaluating an impact on protein function and this variant affected the AMH function (Gorsic_2017). The following publications have been ascertained in the context of this evaluation (PMID: 28505284, 30786001). No submitters have cited clinical-significance assessments for this variant to ClinVar. Based on the evidence outlined above, the variant was classified as uncertain significance.

Literature cited by the submitters: PubMed 28505284; PubMed 30786001.

NM_000479.5(AMH):c.272G>A (p.Arg91His)

Gene: AMH (anti-Mullerian hormone; plus strand). Cytogenetic location: 19p13.3.
Variant type: single nucleotide variant.
Coding change: c.272G>A on transcript NM_000479.5 (MANE Select); coding-DNA position 272, G replaced by A.
Protein change: p.Arg91His; replaces arginine 91 with histidine.
Molecular consequence: missense variant.
Genome position (GRCh38, 1-based): chr19:2,249,604, G>A. VCF-style: chr19-2249604-G-A. GRCh37 (hg19) VCF-style: chr19-2249603-G-A.
Other names: short protein forms R91H.
Identifiers: ClinVar variation 3895694 (VCV003895694.1).
Genomic context (GRCh38, chr19:2,249,604, plus strand): 5'-GGGTGGTGGGGGCTCTAAGCGCCTATGAGCAGGCCTTCCTGGGGGCCGTGCAGAGGGCCC[G>A]CTGGGGCCCCCGAGACCTGGCCACCTTCGGGGTCTGCAACACCGGTGACAGGCAGGCTGC-3'
Protein context (NP_000470.3, residues 81-101): QAFLGAVQRA[Arg91His]WGPRDLATFG